The following is an entry in ClinVar:

NM_001843.4(CNTN1):c.2644G>A (p.Gly882Arg)

Gene: CNTN1 (contactin 1; plus strand). Cytogenetic location: 12q12.
Variant type: single nucleotide variant.
Coding change: c.2644G>A on transcript NM_001843.4 (MANE Select); coding-DNA position 2644, G replaced by A.
Protein change: p.Gly882Arg; replaces glycine 882 with arginine.
Molecular consequence: missense variant.
Genome position (GRCh38, 1-based): chr12:41,025,270, G>A. VCF-style: chr12-41025270-G-A. GRCh37 (hg19) VCF-style: chr12-41419072-G-A.
Other names: c.2611G>A, p.Gly871Arg (NM_175038.2); short protein forms G882R, G871R.
Identifiers: ClinVar variation 421523 (VCV000421523.13), dbSNP rs138121813, ClinGen allele CA6517196.

ClinVar aggregate classification (germline): Conflicting classifications of pathogenicity. Review status: criteria provided, conflicting classifications (1 of 4 stars). 2 submissions from 2 submitters: Uncertain significance (1); Likely benign (1). Last evaluated 2025-09-14.

Conditions:
Compton-North congenital myopathy (CMYO12). Identifiers: Orphanet 210163, MedGen C2675527, MONDO:0012929, OMIM 612540.

Allele frequency attached by ClinVar (database versions not stated): TOPMed 0.00005; gnomAD 0.00006 and 0.00007; gnomAD exomes 0.00007 and 0.00010; ESP Exome Variant Server 0.00008; ExAC 0.00012.
gnomAD v4.1: 114 of 1,613,862 alleles (0.0071%); highest among the groups gnomAD compares: South Asian, 0.054%; 1 homozygote.

Submissions (2):

Labcorp Genetics (formerly Invitae), Labcorp
Classification: Likely benign for Compton-North congenital myopathy. Last evaluated: 2025-09-14. Review status: criteria provided, single submitter. Criteria: Invitae Variant Classification Sherloc (09022015). Collection method: clinical testing. Allele origin: germline.

GeneDx
Classification: Uncertain significance. Last evaluated: 2019-08-21. Review status: criteria provided, single submitter. Criteria: GeneDx Variant Classification Process June 2021. Collection method: clinical testing. Allele origin: germline. Affected: yes.
Comment: In silico analysis, which includes protein predictors and evolutionary conservation, supports that this variant does not alter protein structure/function; Has not been previously published as pathogenic or benign to our knowledge